The following is an entry in ClinVar:

NM_001110556.2(FLNA):c.587G>A (p.Arg196Gln)

Gene: FLNA (filamin A; minus strand). Cytogenetic location: Xq28.
Variant type: single nucleotide variant.
Coding change: c.587G>A on transcript NM_001110556.2 (MANE Select); coding-DNA position 587, G replaced by A.
Protein change: p.Arg196Gln; replaces arginine 196 with glutamine.
Molecular consequence: missense variant.
Genome position (GRCh38, 1-based): chrX:154,367,877, C>T on the plus strand (G>A on the coding strand, the complement: FLNA is on the minus strand). VCF-style: chrX-154367877-C-T. GRCh37 (hg19) VCF-style: chrX-153596245-C-T.
Other names: c.587G>A (NM_001110556.1); c.587G>A, p.Arg196Gln (NM_001456.4); short protein forms R196Q.
Identifiers: ClinVar variation 1197208 (VCV001197208.8), dbSNP rs1569551872, ClinGen allele CA415249122.

ClinVar aggregate classification (germline): Conflicting classifications of pathogenicity. Review status: criteria provided, conflicting classifications (1 of 4 stars). 3 submissions from 3 submitters: Uncertain significance (2); Benign (1). Last evaluated 2025-10-20.

Conditions:
Heterotopia, periventricular, X-linked dominant (PVNH1). Also called: PERIVENTRICULAR NODULAR HETEROTOPIA 1; X-linked periventricular heterotopia; PERIVENTRICULAR NODULAR HETEROTOPIA 4; HETEROTOPIA, PERIVENTRICULAR, 1. Identifiers: Orphanet 2149, Orphanet 82004, MedGen C1848213, MONDO:0010233, OMIM 300049.
Melnick-Needles syndrome (MNS). Also called: MELNICK-NEEDLES OSTEODYSPLASTY; OSTEODYSPLASTY OF MELNICK AND NEEDLES; Melnick-Needles Syndrome (FLNA-MNS). Identifiers: Orphanet 2484, MedGen C0025237, MONDO:0010650, OMIM 309350.
Frontometaphyseal dysplasia (FMD1). Identifiers: Orphanet 1826, MedGen C0265293, MONDO:0015942.
Oto-palato-digital syndrome, type II (OPD2). Also called: FACIOPALATOOSSEOUS SYNDROME; OPD II SYNDROME; Otopalatodigital Syndrome Type 2 (FLNA-OPD2); Otopalatodigital Syndrome, Type II. Identifiers: Orphanet 669, Orphanet 90652, MedGen C1844696, MONDO:0010571, OMIM 304120.
FLNA-related disorder.

Allele frequency attached by ClinVar (database versions not stated): TOPMed below 0.00001; gnomAD exomes 0.00001.

Submissions (3):

Labcorp Genetics (formerly Invitae), Labcorp
Classification: Benign for Oto-palato-digital syndrome, type II; Heterotopia, periventricular, X-linked dominant; Frontometaphyseal dysplasia; Melnick-Needles syndrome. Last evaluated: 2025-10-20. Review status: criteria provided, single submitter. Criteria: Invitae Variant Classification Sherloc (09022015). Collection method: clinical testing. Allele origin: germline.

PreventionGenetics, part of Exact Sciences
Classification: Uncertain significance for FLNA-related condition. Last evaluated: 2022-09-23. Review status: criteria provided, single submitter. Criteria: ACMG Guidelines, 2015. Collection method: clinical testing. Allele origin: germline.
Comment: The FLNA c.587G>A variant is predicted to result in the amino acid substitution p.Arg196Gln. To our knowledge, this variant has not been reported in the literature. This variant is reported in 0.0074% of alleles in individuals of East Asian descent in gnomAD. Alternative variants at the same amino acid (p.Arg196Gly and p.Arg196Trp) have been reported in association with otopalatodigital syndrome (Robertson et al. 2003. PubMed ID: 12612583; Kondoh et al. 2007. PubMed ID: 17264970). At this time, the clinical significance of this variant is uncertain due to the absence of conclusive functional and genetic evidence.

GeneDx
Classification: Uncertain significance. Last evaluated: 2021-07-23. Review status: criteria provided, single submitter. Criteria: GeneDx Variant Classification Process June 2021. Collection method: clinical testing. Allele origin: germline. Affected: yes.
Comment: Not observed at a significant frequency in large population cohorts (Lek et al., 2016); In silico analysis, which includes protein predictors and evolutionary conservation, supports that this variant does not alter protein structure/function; Has not been previously published as pathogenic or benign to our knowledge; Different missense changes at this residue (R196W, R196G) have been reported the Human Gene Mutation Database (Stenson et al., 2014)